The following is an entry in ClinVar:

NM_007294.4(BRCA1):c.446A>G (p.Glu149Gly)

Gene: BRCA1 (BRCA1 DNA repair associated; minus strand). Cytogenetic location: 17q21.31.
Variant type: single nucleotide variant.
Coding change: c.446A>G on transcript NM_007294.4 (MANE Select); coding-DNA position 446, A replaced by G.
Protein change: p.Glu149Gly; replaces glutamic acid 149 with glycine.
Molecular consequence: missense variant. On other transcripts: non-coding transcript variant (1).
Genome position (GRCh38, 1-based): chr17:43,099,876, T>C on the plus strand (A>G on the coding strand, the complement: BRCA1 is on the minus strand). VCF-style: chr17-43099876-T-C. GRCh37 (hg19) VCF-style: chr17-41251893-T-C.
Other names: c.446A>G, p.Glu149Gly (NM_001408404.1, NM_001408406.1, NM_001407919.1 and 97 more transcripts); c.443A>G, p.Glu148Gly (NM_001408407.1, NM_001407940.1, NM_001407941.1 and 65 more transcripts); c.233A>G, p.Glu78Gly (NM_001407899.1, NM_001407915.1, NM_001407916.1 and 18 more transcripts); c.236A>G, p.Glu79Gly (NM_001407900.1, NM_001407902.1, NM_001407904.1 and 37 more transcripts); c.305A>G, p.Glu102Gly (NM_001407920.1, NM_001407921.1, NM_001407922.1 and 61 more transcripts); c.302A>G, p.Glu101Gly (NM_001407930.1, NM_001407931.1, NM_001407932.1 and 35 more transcripts); c.65A>G, p.Glu22Gly (NM_001407959.1, NM_001407960.1, NM_001407963.1 and 3 more transcripts); c.62A>G, p.Glu21Gly (NM_001407962.1); and 4 more; short protein forms E101G, E21G, E102G, E148G, E149G, E78G, E104G, E122G.
Identifiers: ClinVar variation 1740809 (VCV001740809.2), dbSNP rs397507233, ClinGen allele CA10601243.

ClinVar aggregate classification (germline): Uncertain significance (1 of 4 stars; one submission).

Conditions:
Hereditary cancer-predisposing syndrome. Also called: Hereditary Cancer Syndrome; Hereditary neoplastic syndrome; Neoplastic Syndromes, Hereditary; Tumor predisposition. Identifiers: Orphanet 140162, MedGen C0027672, MeSH D009386, MONDO:0015356.

Submission:

Ambry Genetics
Classification: Uncertain significance for Hereditary cancer-predisposing syndrome. Last evaluated: 2022-10-18. Review status: criteria provided, single submitter. Criteria: Ambry Variant Classification Scheme 2023. Collection method: clinical testing. Allele origin: germline.
Comment: The p.E149G variant (also known as c.446A>G), located in coding exon 6 of the BRCA1 gene, results from an A to G substitution at nucleotide position 446. The glutamic acid at codon 149 is replaced by glycine, an amino acid with similar properties. This amino acid position is well conserved in available vertebrate species. In addition, this alteration is predicted to be deleterious by in silico analysis. Since supporting evidence is limited at this time, the clinical significance of this alteration remains unclear.